The following is an entry in ClinVar:

NM_006371.5(CRTAP):c.13C>A (p.Arg5Ser)

Genes: CRTAP (cartilage associated protein; plus strand), LOC129936436 (ATAC-STARR-seq lymphoblastoid silent region 14183; plus strand). Cytogenetic location: 3p22.3.
Variant type: single nucleotide variant.
Coding change: c.13C>A on transcript NM_006371.5 (MANE Select); coding-DNA position 13, C replaced by A.
Protein change: p.Arg5Ser; replaces arginine 5 with serine.
Molecular consequence: missense variant.
Genome position (GRCh38, 1-based): chr3:33,114,090, C>A. VCF-style: chr3-33114090-C-A. GRCh37 (hg19) VCF-style: chr3-33155582-C-A.
Other names: short protein forms R5S.
Identifiers: ClinVar variation 903321 (VCV000903321.8), dbSNP rs758652009, ClinGen allele CA2300165.

ClinVar aggregate classification (germline): Uncertain significance. Review status: criteria provided, multiple submitters, no conflicts (2 of 4 stars). 3 submissions from 3 submitters: Uncertain significance (3). Last evaluated 2022-09-12.

Conditions:
Inborn genetic diseases. Identifiers: MedGen C0950123, MeSH D030342.
Osteogenesis imperfecta type 7 (OI7). Also called: OSTEOGENESIS IMPERFECTA, TYPE IIB; Osteogenesis imperfecta type 2B; OI type 2B; Osteogenesis imperfecta, perinatal lethal autosomal recessive; OI type IIB; OI type 7. Identifiers: MedGen C1853162, MONDO:0012536, OMIM 610682.

Allele frequency attached by ClinVar (database versions not stated): gnomAD exomes 0.00005; gnomAD 0.00007; TOPMed 0.00008; ExAC 0.00011.
gnomAD v4.1: 201 of 1,461,102 alleles (0.014%); highest among the groups gnomAD compares: Non-Finnish European, 0.017%; no homozygotes.

Submissions (3):

Labcorp Genetics (formerly Invitae), Labcorp
Classification: Uncertain significance for Osteogenesis imperfecta type 7. Last evaluated: 2022-09-12. Review status: criteria provided, single submitter. Criteria: Invitae Variant Classification Sherloc (09022015). Collection method: clinical testing. Allele origin: germline.
Comment: This sequence change replaces arginine, which is basic and polar, with serine, which is neutral and polar, at codon 5 of the CRTAP protein (p.Arg5Ser). The frequency data for this variant in the population databases is considered unreliable, as metrics indicate poor data quality at this position in the gnomAD database. This variant has not been reported in the literature in individuals affected with CRTAP-related conditions. ClinVar contains an entry for this variant (Variation ID: 903321). Algorithms developed to predict the effect of missense changes on protein structure and function output the following: SIFT: "Tolerated"; PolyPhen-2: "Not Available"; Align-GVGD: "Class C0". The serine amino acid residue is found in multiple mammalian species, which suggests that this missense change does not adversely affect protein function. In summary, the available evidence is currently insufficient to determine the role of this variant in disease. Therefore, it has been classified as a Variant of Uncertain Significance.

Ambry Genetics
Classification: Uncertain significance for Inborn genetic diseases. Last evaluated: 2022-05-27. Review status: criteria provided, single submitter. Criteria: Ambry Variant Classification Scheme 2023. Collection method: clinical testing. Allele origin: germline.

Illumina Laboratory Services, Illumina
Classification: Uncertain significance for Osteogenesis imperfecta type 7. Last evaluated: 2018-01-13. Review status: criteria provided, single submitter. Criteria: ICSL Variant Classification Criteria 13 December 2019. Collection method: clinical testing. Allele origin: germline.